The following is an entry in ClinVar:

ClinVar aggregate classification (germline): Uncertain significance (1 of 4 stars; one submission).

Conditions:
Familial episodic pain syndrome with predominantly lower limb involvement. Also called: Episodic pain syndrome, familial, 3. Identifiers: Orphanet 391384, Orphanet 391392, MedGen C3809899, MONDO:0014247, OMIM 615552.
Hereditary sensory and autonomic neuropathy type 7. Also called: HSAN VII; Neuropathy, hereditary sensory and autonomic, type VII. Identifiers: Orphanet 391397, MedGen C3809882, MONDO:0014244, OMIM 615548.

gnomAD v4.1: 7 of 1,613,158 alleles (0.00043%); highest among the groups gnomAD compares: Non-Finnish European, 0.00059%; no homozygotes.

Submission:

Labcorp Genetics (formerly Invitae), Labcorp
Classification: Uncertain significance for Familial episodic pain syndrome with predominantly lower limb involvement; Hereditary sensory and autonomic neuropathy type 7. Last evaluated: 2025-07-20. Review status: criteria provided, single submitter. Criteria: Invitae Variant Classification Sherloc (09022015). Collection method: clinical testing. Allele origin: germline.
Comment: This sequence change replaces asparagine, which is neutral and polar, with aspartic acid, which is acidic and polar, at codon 306 of the SCN11A protein (p.Asn306Asp). This variant is present in population databases (rs759435029, gnomAD 0.0009%). This variant has not been reported in the literature in individuals affected with SCN11A-related conditions. Invitae Evidence Modeling of protein sequence and biophysical properties (such as structural, functional, and spatial information, amino acid conservation, physicochemical variation, residue mobility, and thermodynamic stability) indicates that this missense variant is not expected to disrupt SCN11A protein function with a negative predictive value of 80%. In summary, the available evidence is currently insufficient to determine the role of this variant in disease. Therefore, it has been classified as a Variant of Uncertain Significance.

NM_001349253.2(SCN11A):c.916A>G (p.Asn306Asp)

Gene: SCN11A (sodium voltage-gated channel alpha subunit 11; minus strand). Cytogenetic location: 3p22.2.
Variant type: single nucleotide variant.
Coding change: c.916A>G on transcript NM_001349253.2 (MANE Select); coding-DNA position 916, A replaced by G.
Protein change: p.Asn306Asp; replaces asparagine 306 with aspartic acid.
Molecular consequence: missense variant.
Genome position (GRCh38, 1-based): chr3:38,919,978, T>C on the plus strand (A>G on the coding strand, the complement: SCN11A is on the minus strand). VCF-style: chr3-38919978-T-C. GRCh37 (hg19) VCF-style: chr3-38961469-T-C.
Other names: c.916A>G, p.Asn306Asp (NM_014139.3); short protein forms N306D.
Identifiers: ClinVar variation 4792013 (VCV004792013.1).